The following is an entry in ClinVar:

NM_001854.4(COL11A1):c.79C>G (p.Leu27Val)

Gene: COL11A1 (collagen type XI alpha 1 chain; minus strand). Cytogenetic location: 1p21.1.
Variant type: single nucleotide variant.
Coding change: c.79C>G on transcript NM_001854.4 (MANE Select); coding-DNA position 79, C replaced by G.
Protein change: p.Leu27Val; replaces leucine 27 with valine.
Molecular consequence: missense variant. On other transcripts: non-coding transcript variant (1).
Genome position (GRCh38, 1-based): chr1:103,108,100, G>C on the plus strand (C>G on the coding strand, the complement: COL11A1 is on the minus strand). VCF-style: chr1-103108100-G-C. GRCh37 (hg19) VCF-style: chr1-103573656-G-C.
Other names: c.79C>G, p.Leu27Val (NM_001190709.2, NM_080629.3, NM_080630.4); short protein forms L27V.
Identifiers: ClinVar variation 1399363 (VCV001399363.6), dbSNP rs2102453014, ClinGen allele CA341159320.
Genomic context (GRCh38, chr1:103,108,100, plus strand): 5'-ATCTCCCACCTCCCCAAATCCATTTTTTCTTACCTCCTCTGACCTCTCTAGCTTGGAAGA[G>C]GAAGGTCAATGCGAGGGTTGTTACGGTGAAATCCCAGAGCCACCGTTTCGTTTTCCACCT-3'
Protein context (NP_001845.3, residues 17-37): FTVTTLALTF[Leu27Val]FQAREVRGAA

ClinVar aggregate classification (germline): Uncertain significance (1 of 4 stars; one submission).

Submission:

Labcorp Genetics (formerly Invitae), Labcorp
Classification: Uncertain significance. Last evaluated: 2023-10-13. Review status: criteria provided, single submitter. Criteria: Invitae Variant Classification Sherloc (09022015). Collection method: clinical testing. Allele origin: germline.
Comment: This sequence change replaces leucine, which is neutral and non-polar, with valine, which is neutral and non-polar, at codon 27 of the COL11A1 protein (p.Leu27Val). This variant is not present in population databases (gnomAD no frequency). This variant has not been reported in the literature in individuals affected with COL11A1-related conditions. ClinVar contains an entry for this variant (Variation ID: 1399363). Advanced modeling of protein sequence and biophysical properties (such as structural, functional, and spatial information, amino acid conservation, physicochemical variation, residue mobility, and thermodynamic stability) performed at Invitae indicates that this missense variant is not expected to disrupt COL11A1 protein function. In summary, the available evidence is currently insufficient to determine the role of this variant in disease. Therefore, it has been classified as a Variant of Uncertain Significance.